The following is an entry in ClinVar:

ClinVar aggregate classification (germline): Conflicting classifications of pathogenicity. Review status: criteria provided, conflicting classifications (1 of 4 stars). 2 submissions from 2 submitters: Pathogenic (1); Uncertain significance (1). Last evaluated 2025-03-23.

Conditions:
Niemann-Pick disease, type C1. Also called: NEUROVISCERAL STORAGE DISEASE WITH VERTICAL SUPRANUCLEAR OPHTHALMOPLEGIA; NIEMANN-PICK DISEASE WITH CHOLESTEROL ESTERIFICATION BLOCK; NIEMANN-PICK DISEASE WITHOUT SPHINGOMYELINASE DEFICIENCY; NIEMANN-PICK DISEASE, CHRONIC NEURONOPATHIC FORM; NIEMANN-PICK DISEASE, VARIANT TYPE C1. Identifiers: Orphanet 646, MedGen C3179455, MONDO:0009757, OMIM 257220.

Allele frequency attached by ClinVar (database versions not stated): gnomAD 0.00001; gnomAD exomes 0.00001; TOPMed 0.00001.
gnomAD v4.1: 4 of 1,613,958 alleles (0.00025%); highest among the groups gnomAD compares: East Asian, 0.0067%; no homozygotes.

Submissions (2):

GeneDx
Classification: Uncertain significance. Last evaluated: 2025-03-23. Review status: criteria provided, single submitter. Criteria: GeneDx Variant Classification Process June 2021. Collection method: clinical testing. Allele origin: germline. Affected: yes.
Comment: Reported along with a second variant in the NPC1 gene in a patient with Niemann-Pick disease in the published literature; however, segregation information was not provided (PMID: 32138288); In silico analysis indicates that this missense variant does not alter protein structure/function; Not observed at significant frequency in large population cohorts (gnomAD); This variant is associated with the following publications: (PMID: 32482919, 32138288)

Labcorp Genetics (formerly Invitae), Labcorp
Classification: Pathogenic for Niemann-Pick disease, type C1. Last evaluated: 2024-01-18. Review status: criteria provided, single submitter. Criteria: Invitae Variant Classification Sherloc (09022015). Collection method: clinical testing. Allele origin: germline.
Comment: This sequence change replaces proline, which is neutral and non-polar, with serine, which is neutral and polar, at codon 424 of the NPC1 protein (p.Pro424Ser). This variant is present in population databases (no rsID available, gnomAD 0.02%). This missense change has been observed in individual(s) with Niemann-Pick type C (PMID: 32138288, 32482919; Invitae). In at least one individual the data is consistent with being in trans (on the opposite chromosome) from a pathogenic variant. ClinVar contains an entry for this variant (Variation ID: 1066113). Advanced modeling of protein sequence and biophysical properties (such as structural, functional, and spatial information, amino acid conservation, physicochemical variation, residue mobility, and thermodynamic stability) performed at Invitae indicates that this missense variant is not expected to disrupt NPC1 protein function with a negative predictive value of 95%. For these reasons, this variant has been classified as Pathogenic.

Literature cited by the submitters: PubMed 32138288 (cited by Labcorp Genetics (formerly Invitae), Labcorp); PubMed 32482919 (cited by Labcorp Genetics (formerly Invitae), Labcorp).

NM_000271.5(NPC1):c.1270C>T (p.Pro424Ser)

Gene: NPC1 (NPC intracellular cholesterol transporter 1; minus strand). Cytogenetic location: 18q11.2.
Variant type: single nucleotide variant.
Coding change: c.1270C>T on transcript NM_000271.5 (MANE Select); coding-DNA position 1270, C replaced by T.
Protein change: p.Pro424Ser; replaces proline 424 with serine.
Molecular consequence: missense variant.
Genome position (GRCh38, 1-based): chr18:23,556,299, G>A on the plus strand (C>T on the coding strand, the complement: NPC1 is on the minus strand). VCF-style: chr18-23556299-G-A. GRCh37 (hg19) VCF-style: chr18-21136263-G-A.
Other names: c.1270C>T (NM_000271.4); short protein forms P424S.
Identifiers: ClinVar variation 1066113 (VCV001066113.9), dbSNP rs143797098, ClinGen allele CA401777299.